The following is an entry in ClinVar:

ClinVar aggregate classification (germline): Benign/Likely benign. Review status: criteria provided, multiple submitters, no conflicts (2 of 4 stars). 11 submissions from 11 submitters: Benign (8); Likely benign (1). 2 of the submissions do not count toward it. Last evaluated 2026-05-30.

Conditions:
Retinal dystrophy. Also called: Inherited retinal dystrophy. Identifiers: Orphanet 71862, MedGen C0854723, MeSH D058499, MONDO:0019118, HP:0000556.
Usher syndrome type 2A. Also called: RETINAL DISEASE IN USHER SYNDROME TYPE IIA, MODIFIER OF; USHER SYNDROME, TYPE IIA. Identifiers: Orphanet 231178, Orphanet 886, MedGen C1848634, MONDO:0010169, OMIM 276901.

Allele frequency attached by ClinVar (database versions not stated): gnomAD exomes 0.04973; 1000 Genomes Project 30x 0.06246; gnomAD 0.03600 and 0.03269; 1000 Genomes Project 0.06470; TOPMed 0.03707; ExAC 0.04873; ESP Exome Variant Server 0.03045.
gnomAD v4.1: 77,143 of 1,613,802 alleles (4.8%); highest among the groups gnomAD compares: East Asian, 15%; 2,531 homozygotes.

Submissions (11):

Women's Health and Genetics/Laboratory Corporation of America, LabCorp
Classification: Likely benign. Last evaluated: 2026-05-30. Review status: criteria provided, single submitter. Criteria: LabCorp Variant Classification Summary - May 2015. Collection method: clinical testing. Allele origin: germline.

Labcorp Genetics (formerly Invitae), Labcorp
Classification: Benign. Last evaluated: 2026-02-04. Review status: criteria provided, single submitter. Criteria: Invitae Variant Classification Sherloc (09022015). Collection method: clinical testing. Allele origin: germline.

Dept Of Ophthalmology, Nagoya University
Classification: Benign for Retinal dystrophy. Last evaluated: 2023-10-01. Review status: criteria provided, single submitter. Criteria: Submitter's publication. Collection method: research. Allele origin: germline. Affected: yes.

Genome-Nilou Lab
Classification: Benign for Usher syndrome type 2A. Last evaluated: 2021-07-01. Review status: criteria provided, single submitter. Criteria: ACMG Guidelines, 2015. Collection method: clinical testing. Allele origin: germline. Affected: no.

Mayo Clinic Laboratories, Mayo Clinic
Classification: Benign. Last evaluated: 2021-02-27. Review status: criteria provided, single submitter. Criteria: ACMG Guidelines, 2015. Collection method: clinical testing. Allele origin: germline. Observed: 6 variant alleles.

GeneDx
Classification: Benign. Last evaluated: 2014-05-06. Review status: criteria provided, single submitter. Criteria: GeneDx Variant Classification (06012015). Collection method: clinical testing. Allele origin: germline. Affected: yes.
Comment: This variant is considered likely benign or benign based on one or more of the following criteria: it is a conservative change, it occurs at a poorly conserved position in the protein, it is predicted to be benign by multiple in silico algorithms, and/or has population frequency not consistent with disease.

Laboratory for Molecular Medicine, Mass General Brigham Personalized Medicine
Classification: Benign. Last evaluated: 2009-06-24. Review status: criteria provided, single submitter. Criteria: LMM Criteria. Collection method: clinical testing. Allele origin: germline. Observed: 196 variant alleles.

Breakthrough Genomics
Classification: Benign. Review status: criteria provided, single submitter. Criteria: ACMG Guidelines, 2015. Collection method: not provided. Allele origin: germline. Inheritance: Autosomal recessive inheritance. Affected: yes.

PreventionGenetics, part of Exact Sciences
Classification: Benign. Review status: criteria provided, single submitter. Criteria: ACMG Guidelines, 2015. Collection method: clinical testing. Allele origin: germline.

Natera, Inc.
Classification: Benign for Usher syndrome type 2A. Last evaluated: 2020-09-16. Review status: no assertion criteria provided. Collection method: clinical testing. Allele origin: germline. Not counted in ClinVar's aggregate classification.

NEI Ophthalmic Genomics Laboratory, National Institutes of Health
No classification provided. Review status: no classification provided. Collection method: not provided. Allele origin: not provided. Not counted in ClinVar's aggregate classification.

Literature cited by the submitters: PubMed 18273898 (cited by Laboratory for Molecular Medicine, Mass General Brigham Personalized Medicine).

NM_206933.4(USH2A):c.9343A>G (p.Thr3115Ala)

Gene: USH2A (usherin; minus strand). Cytogenetic location: 1q41.
Variant type: single nucleotide variant.
Coding change: c.9343A>G on transcript NM_206933.4 (MANE Select); coding-DNA position 9343, A replaced by G.
Protein change: p.Thr3115Ala; replaces threonine 3115 with alanine.
Molecular consequence: missense variant.
Genome position (GRCh38, 1-based): chr1:215,838,019, T>C on the plus strand (A>G on the coding strand, the complement: USH2A is on the minus strand). VCF-style: chr1-215838019-T-C. GRCh37 (hg19) VCF-style: chr1-216011361-T-C.
Other names: p.T3115A:ACA>GCA; short protein forms T3115A.
Identifiers: ClinVar variation 48623 (VCV000048623.23), dbSNP rs56032526, ClinGen allele CA143660.